The following is an entry in ClinVar:

ClinVar aggregate classification (germline): Uncertain significance (1 of 4 stars; one submission).

Conditions:
Intellectual disability, CASK-related, X-linked. Identifiers: MedGen CN043158.

Allele frequency attached by ClinVar (database versions not stated): TOPMed 0.00002.

Submission:

Labcorp Genetics (formerly Invitae), Labcorp
Classification: Uncertain significance for Intellectual disability, CASK-related, X-linked. Last evaluated: 2023-11-27. Review status: criteria provided, single submitter. Criteria: Invitae Variant Classification Sherloc (09022015). Collection method: clinical testing. Allele origin: germline.
Comment: This sequence change replaces alanine, which is neutral and non-polar, with threonine, which is neutral and polar, at codon 853 of the CASK protein (p.Ala853Thr). This variant is not present in population databases (gnomAD no frequency). This variant has not been reported in the literature in individuals affected with CASK-related conditions. ClinVar contains an entry for this variant (Variation ID: 1718648). Advanced modeling of protein sequence and biophysical properties (such as structural, functional, and spatial information, amino acid conservation, physicochemical variation, residue mobility, and thermodynamic stability) has been performed at Invitae for this missense variant, however the output from this modeling did not meet the statistical confidence thresholds required to predict the impact of this variant on CASK protein function. In summary, the available evidence is currently insufficient to determine the role of this variant in disease. Therefore, it has been classified as a Variant of Uncertain Significance.

NM_001367721.1(CASK):c.2572G>A (p.Ala858Thr)

Gene: CASK (calcium/calmodulin dependent serine protein kinase; minus strand). Cytogenetic location: Xp11.4.
Variant type: single nucleotide variant.
Coding change: c.2572G>A on transcript NM_001367721.1 (MANE Select); coding-DNA position 2572, G replaced by A.
Protein change: p.Ala858Thr; replaces alanine 858 with threonine.
Molecular consequence: missense variant.
Genome position (GRCh38, 1-based): chrX:41,523,983, C>T on the plus strand (G>A on the coding strand, the complement: CASK is on the minus strand). VCF-style: chrX-41523983-C-T. GRCh37 (hg19) VCF-style: chrX-41383236-C-T.
Other names: c.2488G>A, p.Ala830Thr (NM_001126054.3); c.2485G>A, p.Ala829Thr (NM_001126055.3); c.2554G>A, p.Ala852Thr (NM_001410745.1); c.2557G>A, p.Ala853Thr (NM_003688.4); short protein forms A829T, A830T, A852T, A853T, A858T.
Identifiers: ClinVar variation 1718648 (VCV001718648.5), dbSNP rs979211562, ClinGen allele CA329227632.